The following is an entry in ClinVar:

ClinVar aggregate classification (germline): Uncertain significance (1 of 4 stars; one submission).

Allele frequency attached by ClinVar (database versions not stated): gnomAD 0.00001; ExAC 0.00002; TOPMed 0.00004.

Submission:

Labcorp Genetics (formerly Invitae), Labcorp
Classification: Uncertain significance. Last evaluated: 2022-02-21. Review status: criteria provided, single submitter. Criteria: Invitae Variant Classification Sherloc (09022015). Collection method: clinical testing. Allele origin: germline.
Comment: In summary, the available evidence is currently insufficient to determine the role of this variant in disease. Therefore, it has been classified as a Variant of Uncertain Significance. Algorithms developed to predict the effect of missense changes on protein structure and function are either unavailable or do not agree on the potential impact of this missense change (SIFT: "Deleterious"; PolyPhen-2: "Benign"; Align-GVGD: "Class C0"). This variant has not been reported in the literature in individuals affected with GAS1-related conditions. This variant is present in population databases (rs771528019, gnomAD 0.005%). This sequence change replaces glutamic acid, which is acidic and polar, with glutamine, which is neutral and polar, at codon 202 of the GAS1 protein (p.Glu202Gln).

NM_002048.3(GAS1):c.604G>C (p.Glu202Gln)

Gene: GAS1 (growth arrest specific 1; minus strand). Cytogenetic location: 9q21.33.
Variant type: single nucleotide variant.
Coding change: c.604G>C on transcript NM_002048.3 (MANE Select); coding-DNA position 604, G replaced by C.
Protein change: p.Glu202Gln; replaces glutamic acid 202 with glutamine.
Molecular consequence: missense variant.
Genome position (GRCh38, 1-based): chr9:86,946,176, C>G on the plus strand (G>C on the coding strand, the complement: GAS1 is on the minus strand). VCF-style: chr9-86946176-C-G. GRCh37 (hg19) VCF-style: chr9-89561091-C-G.
Other names: short protein forms E202Q.
Identifiers: ClinVar variation 1942804 (VCV001942804.5), dbSNP rs771528019, ClinGen allele CA5109433.